The following is an entry in ClinVar:

NM_002047.4(GARS1):c.324+259T>G

Gene: GARS1 (glycyl-tRNA synthetase 1; plus strand). Cytogenetic location: 7p14.3.
Variant type: single nucleotide variant.
Coding change: c.324+259T>G on transcript NM_002047.4 (MANE Select); 259 bases into the intron after coding-DNA position 324, T replaced by G.
Molecular consequence: intron variant.
Genome position (GRCh38, 1-based): chr7:30,599,156, T>G. VCF-style: chr7-30599156-T-G. GRCh37 (hg19) VCF-style: chr7-30638772-T-G.
Other names: c.162+259T>G (NM_001316772.1).
Identifiers: ClinVar variation 671766 (VCV000671766.1), dbSNP rs722423, ClinGen allele CA12584507.

ClinVar aggregate classification (germline): Benign (1 of 4 stars; one submission).

Allele frequency attached by ClinVar (database versions not stated): 1000 Genomes Project 0.07169; 1000 Genomes Project 30x 0.07261; gnomAD 0.07727 and 0.08267; TOPMed 0.08671.
gnomAD v4.1: 11,807 of 152,250 alleles (7.8%); highest among the groups gnomAD compares: African/African-American, 20%; 951 homozygotes.

Submission:

GeneDx
Classification: Benign. Last evaluated: 2018-06-19. Review status: criteria provided, single submitter. Criteria: GeneDx Variant Classification (06012015). Collection method: clinical testing. Allele origin: germline. Affected: yes.
Comment: This variant is considered likely benign or benign based on one or more of the following criteria: it is a conservative change, it occurs at a poorly conserved position in the protein, it is predicted to be benign by multiple in silico algorithms, and/or has population frequency not consistent with disease.